The following is an entry in ClinVar:

ClinVar aggregate classification (germline): Uncertain significance. Review status: criteria provided, multiple submitters, no conflicts (2 of 4 stars). 2 submissions from 2 submitters: Uncertain significance (2). Last evaluated 2024-12-02.

Allele frequency attached by ClinVar (database versions not stated): gnomAD exomes 0.00001; TOPMed 0.00002; ExAC 0.00005.
gnomAD v4.1: 13 of 1,603,544 alleles (0.00081%); highest among the groups gnomAD compares: African/African-American, 0.0013%; no homozygotes.

Submissions (2):

GeneDx
Classification: Uncertain significance. Last evaluated: 2024-12-02. Review status: criteria provided, single submitter. Criteria: GeneDx Variant Classification Process June 2021. Collection method: clinical testing. Allele origin: germline. Affected: yes.
Comment: Not observed at significant frequency in large population cohorts (gnomAD); In silico analysis indicates that this missense variant does not alter protein structure/function; Has not been previously published as pathogenic or benign to our knowledge

Labcorp Genetics (formerly Invitae), Labcorp
Classification: Uncertain significance. Last evaluated: 2023-04-07. Review status: criteria provided, single submitter. Criteria: Invitae Variant Classification Sherloc (09022015). Collection method: clinical testing. Allele origin: germline.
Comment: This sequence change replaces arginine, which is basic and polar, with glutamine, which is neutral and polar, at codon 1328 of the LTBP4 protein (p.Arg1328Gln). The frequency data for this variant in the population databases is considered unreliable, as metrics indicate poor data quality at this position in the gnomAD database. In summary, the available evidence is currently insufficient to determine the role of this variant in disease. Therefore, it has been classified as a Variant of Uncertain Significance. Experimental studies and prediction algorithms are not available or were not evaluated, and the functional significance of this variant is currently unknown. This variant has not been reported in the literature in individuals affected with LTBP4-related conditions.

NM_001042545.2(LTBP4):c.3893G>A (p.Arg1298Gln)

Gene: LTBP4 (latent transforming growth factor beta binding protein 4; plus strand). Cytogenetic location: 19q13.2.
Variant type: single nucleotide variant.
Coding change: c.3893G>A on transcript NM_001042545.2 (MANE Select); coding-DNA position 3893, G replaced by A.
Protein change: p.Arg1298Gln; replaces arginine 1298 with glutamine.
Molecular consequence: missense variant.
Genome position (GRCh38, 1-based): chr19:40,625,917, G>A. VCF-style: chr19-40625917-G-A. GRCh37 (hg19) VCF-style: chr19-41131822-G-A.
Other names: c.4094G>A, p.Arg1365Gln (NM_001042544.1); c.3983G>A, p.Arg1328Gln (NM_003573.2); short protein forms R1365Q, R1328Q, R1298Q.
Identifiers: ClinVar variation 3023908 (VCV003023908.2), dbSNP rs774126104, ClinGen allele CA9449172.